The following is an entry in ClinVar:

ClinVar aggregate classification (germline): Uncertain significance (1 of 4 stars; one submission).

Conditions:
CHD4-related disorder. Also called: CHD4-related condition.

gnomAD v4.1: 3 of 1,610,850 alleles (0.00019%); highest among the groups gnomAD compares: African/African-American, 0.0013%; no homozygotes.

Submission:

PreventionGenetics, part of Exact Sciences
Classification: Uncertain significance for CHD4-related condition. Last evaluated: 2025-06-08. Review status: criteria provided, single submitter. Criteria: ACMG Guidelines, 2015. Collection method: clinical testing. Allele origin: germline.
Comment: The CHD4 c.4986G>A variant is not predicted to result in an amino acid change (p.=). Based on available splicing prediction programs (SpliceAI, Jaganathan et al. 2019. PubMed ID: 30661751), this variant is predicted to interfere with splicing; however, the use of computer prediction programs is not equivalent to functional evidence. To our knowledge, this variant has not been reported in the literature or in a large population database (gnomAD), indicating this variant is rare. At this time, the clinical significance of this variant is uncertain due to the absence of conclusive functional and genetic evidence.

NM_001273.5(CHD4):c.4986G>A (p.Glu1662=)

Genes: CHD4-AS1 (CHD4 antisense RNA 1; plus strand), CHD4 (chromodomain helicase DNA binding protein 4; minus strand). Cytogenetic location: 12p13.31.
Variant type: single nucleotide variant.
Coding change: c.4986G>A on transcript NM_001273.5 (MANE Select); coding-DNA position 4986, G replaced by A.
Protein change: p.Glu1662=; no amino-acid change (glutamic acid 1662 retained).
Molecular consequence: synonymous variant.
Genome position (GRCh38, 1-based): chr12:6,578,542, C>T on the plus strand (G>A on the coding strand, the complement: CHD4 is on the minus strand). VCF-style: chr12-6578542-C-T. GRCh37 (hg19) VCF-style: chr12-6687708-C-T.
Other names: c.4965G>A, p.Glu1655= (NM_001297553.2); c.4953G>A, p.Glu1651= (NM_001363606.2).
Identifiers: ClinVar variation 5002638 (VCV005002638.1).